The following is an entry in ClinVar:

ClinVar aggregate classification (germline): Uncertain significance. Review status: criteria provided, multiple submitters, no conflicts (2 of 4 stars). 5 submissions from 5 submitters: Uncertain significance (4). 1 of the submissions does not count toward it. Last evaluated 2025-10-01.

Conditions:
POLE-related disorder. Also called: POLE-related disorders; POLE-related condition.
Facial dysmorphism-immunodeficiency-livedo-short stature syndrome. Also called: Facial dysmorphism, immunodeficiency, livedo, and short stature; FILS syndrome. Identifiers: Orphanet 352712, MedGen C3554576, MONDO:0014058, OMIM 615139.
Colorectal cancer, susceptibility to, 12 (CRCS12). Also called: COLORECTAL CANCER, SUSCEPTIBILITY TO, ON CHROMOSOME 12q24. Identifiers: Orphanet 220460, MedGen C3554460, MONDO:0014038, OMIM 615083.
Intrauterine growth retardation, metaphyseal dysplasia, adrenal hypoplasia congenita, genital anomalies, and immunodeficiency. Also called: IMAGEI SYNDROME. Identifiers: MedGen C5193036, MONDO:0032684, OMIM 618336.
Hereditary cancer-predisposing syndrome. Also called: Neoplastic Syndromes, Hereditary; Hereditary Cancer Syndrome; Hereditary neoplastic syndrome; Tumor predisposition. Identifiers: Orphanet 140162, MedGen C0027672, MeSH D009386, MONDO:0015356.

Allele frequency attached by ClinVar (database versions not stated): gnomAD exomes below 0.00001; gnomAD 0.00001; TOPMed 0.00001.
gnomAD v4.1: 7 of 1,613,622 alleles (0.00043%); highest among the groups gnomAD compares: African/African-American, 0.0013%; no homozygotes.

Submissions (5):

Labcorp Genetics (formerly Invitae), Labcorp
Classification: Uncertain significance. Last evaluated: 2025-10-01. Review status: criteria provided, single submitter. Criteria: Invitae Variant Classification Sherloc (09022015). Collection method: clinical testing. Allele origin: germline.
Comment: This sequence change replaces lysine, which is basic and polar, with glutamine, which is neutral and polar, at codon 2210 of the POLE protein (p.Lys2210Gln). This variant is not present in population databases (gnomAD no frequency). This variant has not been reported in the literature in individuals affected with POLE-related conditions. ClinVar contains an entry for this variant (Variation ID: 540727). Invitae Evidence Modeling of protein sequence and biophysical properties (such as structural, functional, and spatial information, amino acid conservation, physicochemical variation, residue mobility, and thermodynamic stability) indicates that this missense variant is not expected to disrupt POLE protein function with a negative predictive value of 80%. In summary, the available evidence is currently insufficient to determine the role of this variant in disease. Therefore, it has been classified as a Variant of Uncertain Significance.

Ambry Genetics
Classification: Uncertain significance for Hereditary cancer-predisposing syndrome. Last evaluated: 2025-01-14. Review status: criteria provided, single submitter. Criteria: Ambry Variant Classification Scheme 2023. Collection method: clinical testing. Allele origin: germline.
Comment: The p.K2210Q variant (also known as c.6628A>C), located in coding exon 47 of the POLE gene, results from an A to C substitution at nucleotide position 6628. The lysine at codon 2210 is replaced by glutamine, an amino acid with similar properties. This amino acid position is highly conserved in available vertebrate species. In addition, the in silico prediction for this alteration is inconclusive. Based on the available evidence, the clinical significance of this variant remains unclear.

Fulgent Genetics
Classification: Uncertain significance for Colorectal cancer, susceptibility to, 12; Facial dysmorphism-immunodeficiency-livedo-short stature syndrome; Intrauterine growth retardation, metaphyseal dysplasia, adrenal hypoplasia congenita, genital anomalies, and immunodeficiency. Last evaluated: 2022-03-02. Review status: criteria provided, single submitter. Criteria: ACMG Guidelines, 2015. Collection method: clinical testing. Allele origin: unknown.

GeneDx
Classification: Uncertain significance. Last evaluated: 2020-12-18. Review status: criteria provided, single submitter. Criteria: GeneDx Variant Classification Process June 2021. Collection method: clinical testing. Allele origin: germline. Affected: yes.
Comment: Not observed at a significant frequency in large population cohorts (Lek 2016); In silico analysis supports that this missense variant does not alter protein structure/function; Has not been previously published as pathogenic or benign to our knowledge

PreventionGenetics, part of Exact Sciences
Classification: Uncertain significance for POLE-related condition. Last evaluated: 2023-12-11. Review status: no assertion criteria provided. Collection method: clinical testing. Allele origin: germline. Not counted in ClinVar's aggregate classification.
Comment: The POLE c.6628A>C variant is predicted to result in the amino acid substitution p.Lys2210Gln. To our knowledge, this variant has not been reported in the literature. This variant is reported in 0.00088% of alleles in individuals of European (Non-Finnish) descent in gnomAD and is classified as a variant of uncertain significance by outside laboratories in the ClinVar database. At this time, the clinical significance of this variant is uncertain due to the absence of conclusive functional and genetic evidence.

NM_006231.4(POLE):c.6628A>C (p.Lys2210Gln)

Gene: POLE (DNA polymerase epsilon, catalytic subunit; minus strand). Cytogenetic location: 12q24.33.
Variant type: single nucleotide variant.
Coding change: c.6628A>C on transcript NM_006231.4 (MANE Select); coding-DNA position 6628, A replaced by C.
Protein change: p.Lys2210Gln; replaces lysine 2210 with glutamine.
Molecular consequence: missense variant.
Genome position (GRCh38, 1-based): chr12:132,625,674, T>G on the plus strand (A>C on the coding strand, the complement: POLE is on the minus strand). VCF-style: chr12-132625674-T-G. GRCh37 (hg19) VCF-style: chr12-133202260-T-G.
Other names: short protein forms K2210Q.
Identifiers: ClinVar variation 540727 (VCV000540727.18), dbSNP rs1284697545, ClinGen allele CA387366512.
Genomic context (GRCh38, chr12:132,625,674, plus strand): 5'-GGCACACGGGCAGGCGGCATGCACGACTCACCAGGTCCTGCAGGGTGAAGGCCATCAGCT[T>G]CTTCTGTAGAACTTCCACCAGCGTCATCTCGATGGCAGAGGAGTCGTAGGGCGCCTGACA-3'
Protein context (NP_006222.2, residues 2200-2220): EMTLVEVLQK[Lys2210Gln]LMAFTLQDLV